The following is an entry in ClinVar:

NM_004655.4(AXIN2):c.1389_1391delinsGTT (p.Ser464Phe)

Gene: AXIN2 (axin 2; minus strand). Cytogenetic location: 17q24.1.
Variant type: Indel.
Coding change: c.1389_1391delinsGTT on transcript NM_004655.4 (MANE Select); coding-DNA positions 1389 to 1391, CTC replaced by GTT.
Protein change: p.Ser464Phe; replaces serine 464 with phenylalanine.
Molecular consequence: missense variant.
Genome position (GRCh38, 1-based): chr17:65,537,645-65,537,647, GAG replaced by AAC on the plus strand (CTC replaced by GTT on the coding strand, the reverse complement: AXIN2 is on the minus strand). VCF-style: chr17-65537645-GAG-AAC. GRCh37 (hg19) VCF-style: chr17-63533763-GAG-AAC.
Other names: c.1389_1391delinsGTT, p.Ser464Phe (NM_001363813.1); short protein forms S464F.
Identifiers: ClinVar variation 3470820 (VCV003470820.1).
Genomic context (GRCh38, chr17:65,537,645, plus strand): 5'-CCGGGCGGGAGCAGGGAGTGGTACTGCGAATGGTGGTGGTGGTGGTGGTCCGGGGAGCGG[GAG>AAC]CGGGGGCTATAGCGGCCTACGCCTGGAGACTGGCAGCCAGGGGTCTTGAGGACCCTGGAC-3'
Protein context (NP_004646.3, residues 454-474): SPGVGRYSPR[Ser464Phe]RSPDHHHHHH

ClinVar aggregate classification (germline): Uncertain significance (1 of 4 stars; one submission).

Conditions:
Hereditary cancer-predisposing syndrome. Also called: Tumor predisposition; Neoplastic Syndromes, Hereditary; Hereditary neoplastic syndrome; Hereditary Cancer Syndrome. Identifiers: Orphanet 140162, MedGen C0027672, MeSH D009386, MONDO:0015356.

Submission:

Ambry Genetics
Classification: Uncertain significance for Hereditary cancer-predisposing syndrome. Last evaluated: 2024-11-22. Review status: criteria provided, single submitter. Criteria: Ambry Variant Classification Scheme 2023. Collection method: clinical testing. Allele origin: germline.
Comment: The c.1389_1391delCTCinsGTT variant, located in coding exon 5 of the AXIN2 gene, results from an in-frame deletion of CTC and insertion of GTT at nucleotide positions 1389 to 1391. This results in the substitution of the serine residue for a phenylalanine residue at codon 464, an amino acid with highly dissimilar properties. This amino acid position is not well conserved in available vertebrate species. In addition, the in silico prediction for this alteration is inconclusive (Choi Y et al. PLoS ONE. 2012; 7(10):e46688). Based on the available evidence, the clinical significance of this variant remains unclear.